The following is an entry in ClinVar:

NM_005097.4(LGI1):c.313G>A (p.Val105Met)

Gene: LGI1 (leucine rich glioma inactivated 1; plus strand). Cytogenetic location: 10q23.33.
Variant type: single nucleotide variant.
Coding change: c.313G>A on transcript NM_005097.4 (MANE Select); coding-DNA position 313, G replaced by A.
Protein change: p.Val105Met; replaces valine 105 with methionine.
Molecular consequence: missense variant. On other transcripts: intron variant (1).
Genome position (GRCh38, 1-based): chr10:93,777,404, G>A. VCF-style: chr10-93777404-G-A. GRCh37 (hg19) VCF-style: chr10-95537161-G-A.
Other names: c.313G>A, p.Val105Met (NM_001308275.2); c.288-12695G>A (NM_001308276.2); short protein forms V105M.
Identifiers: ClinVar variation 2136921 (VCV002136921.4), dbSNP rs2492859639, ClinGen allele CA377620672.

ClinVar aggregate classification (germline): Uncertain significance (1 of 4 stars; one submission).

Conditions:
Autosomal dominant epilepsy with auditory features. Identifiers: Orphanet 101046, MedGen C1838062, MONDO:0010898.

Submission:

Labcorp Genetics (formerly Invitae), Labcorp
Classification: Uncertain significance for Autosomal dominant epilepsy with auditory features. Last evaluated: 2022-04-04. Review status: criteria provided, single submitter. Criteria: Invitae Variant Classification Sherloc (09022015). Collection method: clinical testing. Allele origin: germline.
Comment: This sequence change replaces valine, which is neutral and non-polar, with methionine, which is neutral and non-polar, at codon 105 of the LGI1 protein (p.Val105Met). This variant is not present in population databases (gnomAD no frequency). This variant has not been reported in the literature in individuals affected with LGI1-related conditions. Algorithms developed to predict the effect of missense changes on protein structure and function (SIFT, PolyPhen-2, Align-GVGD) all suggest that this variant is likely to be tolerated. In summary, the available evidence is currently insufficient to determine the role of this variant in disease. Therefore, it has been classified as a Variant of Uncertain Significance.